The following is an entry in ClinVar:

ClinVar aggregate classification (germline): Likely benign (1 of 4 stars; one submission).

Allele frequency attached by ClinVar (database versions not stated): TOPMed 0.00005; gnomAD 0.00008; gnomAD exomes 0.00010; ExAC 0.00021; 1000 Genomes Project 30x 0.00031; 1000 Genomes Project 0.00040.

Submission:

CeGaT Center for Human Genetics Tuebingen
Classification: Likely benign. Last evaluated: 2022-11-01. Review status: criteria provided, single submitter. Criteria: CeGaT Center For Human Genetics Tuebingen Variant Classification Criteria Version 2. Collection method: clinical testing. Allele origin: germline. Affected: yes. Observed: 1 variant allele.
Comment: MUC16: BP4, BP7

NM_001401501.2(MUC16):c.39117T>G (p.Ser13039=)

Gene: MUC16 (mucin 16, cell surface associated; minus strand). Cytogenetic location: 19p13.2.
Variant type: single nucleotide variant.
Coding change: c.39117T>G on transcript NM_001401501.2 (MANE Select); coding-DNA position 39117, T replaced by G.
Protein change: p.Ser13039=; no amino-acid change (serine 13039 retained).
Molecular consequence: synonymous variant.
Genome position (GRCh38, 1-based): chr19:8,900,311, A>C on the plus strand (T>G on the coding strand, the complement: MUC16 is on the minus strand). VCF-style: chr19-8900311-A-C. GRCh37 (hg19) VCF-style: chr19-9010987-A-C.
Other names: c.39543T>G, p.Ser13181= (NM_001414686.1); c.38997T>G, p.Ser12999= (NM_001414687.1); c.38931T>G, p.Ser12977= (NM_024690.2).
Identifiers: ClinVar variation 2649224 (VCV002649224.24), dbSNP rs563193038, ClinGen allele CA9164316.